The following is an entry in ClinVar:

NM_006940.6(SOX5):c.1164+2T>G

Gene: SOX5 (SRY-box transcription factor 5; minus strand). Cytogenetic location: 12p12.1.
Variant type: single nucleotide variant.
Coding change: c.1164+2T>G on transcript NM_006940.6 (MANE Select); the canonical splice donor site of the intron after coding-DNA position 1164, T replaced by G.
Molecular consequence: splice donor variant.
Genome position (GRCh38, 1-based): chr12:23,604,385, A>C on the plus strand (T>G on the coding strand, the complement: SOX5 is on the minus strand). VCF-style: chr12-23604385-A-C. GRCh37 (hg19) VCF-style: chr12-23757319-A-C.
Other names: c.1125+2T>G (NM_152989.5, NM_001261414.3); c.1134+2T>G (NM_001261415.3); c.1059+2T>G (NM_001330785.2).
Identifiers: ClinVar variation 872102 (VCV000872102.41), dbSNP rs2074971229, ClinGen allele CA384317871.

ClinVar aggregate classification (germline): Pathogenic. Review status: criteria provided, multiple submitters, no conflicts (2 of 4 stars). 2 submissions from 2 submitters: Pathogenic (2). Last evaluated 2025-07-31.

Conditions:
Lamb-Shaffer syndrome. Identifiers: Orphanet 313884, Orphanet 313892, Orphanet 530983, MedGen C4225202, MONDO:0014778, OMIM 616803.

Submissions (2):

3billion
Classification: Pathogenic for Lamb-Shaffer syndrome. Last evaluated: 2025-07-31. Review status: criteria provided, single submitter. Criteria: ACMG Guidelines, 2015. Collection method: clinical testing. Allele origin: germline. Affected: yes.
Comment: The variant is not observed in the gnomAD v4.1.0 dataset. Predicted Consequence/Location: Canonical splice site: predicted to alter splicing and result in a loss or disruption of normal protein function. Multiple pathogenic loss-of-function variants are reported downstream of the variant. In silico tools predict the variant to alter splicing and produce an abnormal transcript [SpliceAI: 0.98 (spliceogenicity >=0.2, non-spliceogenicity <0.1)]. The variant has been reported to be associated with SOX5-related disorder (ClinVar ID: VCV000872102). Therefore, this variant is classified as Pathogenic according to the recommendation of ACMG/AMP guideline.

CeGaT Center for Human Genetics Tuebingen
Classification: Pathogenic. Last evaluated: 2019-06-01. Review status: criteria provided, single submitter. Criteria: CeGaT Center For Human Genetics Tuebingen Variant Classification Criteria Version 2. Collection method: clinical testing. Allele origin: germline. Affected: yes. Observed: 3 variant alleles.